The following is an entry in ClinVar:

ClinVar aggregate classification (germline): Likely benign (1 of 4 stars; one submission).

gnomAD v4.1: 32 of 1,602,006 alleles (0.002%); highest among the groups gnomAD compares: East Asian, 0.042%; no homozygotes.

Submission:

CeGaT Center for Human Genetics Tuebingen
Classification: Likely benign. Last evaluated: 2025-10-01. Review status: criteria provided, single submitter. Criteria: CeGaT Center For Human Genetics Tuebingen Variant Classification Criteria Version 2. Collection method: clinical testing. Allele origin: germline. Affected: yes. Observed: 1 variant allele.
Comment: FAT2: BP4, BP7

NM_001447.3(FAT2):c.12486C>T (p.Val4162=)

Genes: FAT2 (FAT atypical cadherin 2; minus strand), SLC36A1 (solute carrier family 36 member 1; plus strand). Cytogenetic location: 5q33.1.
Variant type: single nucleotide variant.
Coding change: c.12486C>T on transcript NM_001447.3 (MANE Select); coding-DNA position 12486, C replaced by T.
Protein change: p.Val4162=; no amino-acid change (valine 4162 retained).
Molecular consequence: synonymous variant.
Genome position (GRCh38, 1-based): chr5:151,507,185, G>A on the plus strand (C>T on the coding strand, the complement: FAT2 is on the minus strand). VCF-style: chr5-151507185-G-A. GRCh37 (hg19) VCF-style: chr5-150886746-G-A.
Identifiers: ClinVar variation 4084784 (VCV004084784.8).